The following is an entry in ClinVar:

ClinVar aggregate classification (germline): Pathogenic (1 of 4 stars; one submission).

Conditions:
Methylmalonic aciduria, cblB type (MACB). Also called: Vitamin B12-responsive methylmalonic acidemia type cblB; METHYLMALONIC ACIDURIA, VITAMIN B12-RESPONSIVE, DUE TO DEFECT IN SYNTHESIS OF ADENOSYLCOBALAMIN, cblB TYPE; Methylmalonic acidemia cblB type. Identifiers: Orphanet 28, Orphanet 79311, MedGen C1855102, MONDO:0009614, OMIM 251110.

Submission:

Labcorp Genetics (formerly Invitae), Labcorp
Classification: Pathogenic for Methylmalonic aciduria, cblB type. Last evaluated: 2019-03-11. Review status: criteria provided, single submitter. Criteria: Invitae Variant Classification Sherloc (09022015). Collection method: clinical testing. Allele origin: germline.
Comment: This variant is not present in population databases (ExAC no frequency). This variant has not been reported in the literature in individuals with MMAB-related conditions. Loss-of-function variants in MMAB are known to be pathogenic (PMID: 15781192, 16410054). For these reasons, this variant has been classified as Pathogenic. This sequence change creates a premature translational stop signal (p.Trp156*) in the MMAB gene. It is expected to result in an absent or disrupted protein product.

Literature cited by the submitters: PubMed 15781192; PubMed 16410054.

NM_052845.4(MMAB):c.468G>A (p.Trp156Ter)

Gene: MMAB (metabolism of cobalamin associated B; minus strand). Cytogenetic location: 12q24.11.
Variant type: single nucleotide variant.
Coding change: c.468G>A on transcript NM_052845.4 (MANE Select); coding-DNA position 468, G replaced by A.
Protein change: p.Trp156Ter; replaces tryptophan 156 with a stop codon.
Molecular consequence: nonsense. On other transcripts: non-coding transcript variant (1).
Genome position (GRCh38, 1-based): chr12:109,561,471, C>T on the plus strand (G>A on the coding strand, the complement: MMAB is on the minus strand). VCF-style: chr12-109561471-C-T. GRCh37 (hg19) VCF-style: chr12-109999276-C-T.
Other names: short protein forms W156*.
Identifiers: ClinVar variation 834947 (VCV000834947.7), dbSNP rs1884201610, ClinGen allele CA386637408.
Genomic context (GRCh38, chr12:109,561,471, plus strand): 5'-AGTACCTACAGGCAGGATGAAGGCCGTGAGTGGTGGGAGCTGGCTGGTGTACTTGTCGAT[C>T]CACTGCTCCAGCTCCAGGATGGGCCCCGCCTTGAACGTGGTATACTCTGAGGAGCCAAGG-3'